The following is an entry in ClinVar:

NM_004979.6(KCND1):c.343G>A (p.Asp115Asn)

Gene: KCND1 (potassium voltage-gated channel subfamily D member 1; minus strand). Cytogenetic location: Xp11.23.
Variant type: single nucleotide variant.
Coding change: c.343G>A on transcript NM_004979.6 (MANE Select); coding-DNA position 343, G replaced by A.
Protein change: p.Asp115Asn; replaces aspartic acid 115 with asparagine.
Molecular consequence: missense variant.
Genome position (GRCh38, 1-based): chrX:48,969,929, C>T on the plus strand (G>A on the coding strand, the complement: KCND1 is on the minus strand). VCF-style: chrX-48969929-C-T. GRCh37 (hg19) VCF-style: chrX-48826336-C-T.
Other names: short protein forms D115N.
Identifiers: ClinVar variation 2216192 (VCV002216192.4), dbSNP rs1200890582, ClinGen allele CA412893146.

ClinVar aggregate classification (germline): Uncertain significance. Review status: criteria provided, multiple submitters, no conflicts (2 of 4 stars). 2 submissions from 2 submitters: Uncertain significance (2). Last evaluated 2026-02-17.

Conditions:
KCND1-associated seizure disorder.

Allele frequency attached by ClinVar (database versions not stated): TOPMed 0.00002; gnomAD 0.00004.

Submissions (2):

Ambry Genetics
Classification: Uncertain significance. Last evaluated: 2026-02-17. Review status: criteria provided, single submitter. Criteria: Ambry Variant Classification Scheme 2023. Collection method: clinical testing. Allele origin: germline.
Comment: The c.343G>A (p.D115N) alteration is located in exon 1 (coding exon 1) of the KCND1 gene. This alteration results from a G to A substitution at nucleotide position 343, causing the aspartic acid (D) at amino acid position 115 to be replaced by an asparagine (N). Based on data from gnomAD, the A allele has an overall frequency of 0.001% (1/179337) total alleles studied. The highest observed frequency was 0.001% (1/79564) of European (non-Finnish) alleles. Based on insufficient or conflicting evidence, the clinical significance of this alteration remains unclear.

Institute of Human Genetics, University of Leipzig Medical Center
Classification: Uncertain significance for KCND1-associated seizure disorder. Last evaluated: 2025-05-16. Review status: criteria provided, single submitter. Criteria: ACMG Guidelines, 2015. Collection method: clinical testing. Allele origin: de novo. Inheritance: X-linked recessive inheritance. Affected: yes.
Comment: Criteria applied: PS2_MOD,PS3_MOD; Case reported in PMID: 38772379

Literature cited by the submitters: PubMed 38772379 (cited by Institute of Human Genetics, University of Leipzig Medical Center).